The following is an entry in ClinVar:

NM_007294.4(BRCA1):c.4929A>C (p.Thr1643=)

Gene: BRCA1 (BRCA1 DNA repair associated; minus strand). Cytogenetic location: 17q21.31.
Variant type: single nucleotide variant.
Coding change: c.4929A>C on transcript NM_007294.4 (MANE Select); coding-DNA position 4929, A replaced by C.
Protein change: p.Thr1643=; no amino-acid change (threonine 1643 retained).
Molecular consequence: synonymous variant. On other transcripts: intron variant (1).
Genome position (GRCh38, 1-based): chr17:43,070,985, T>G on the plus strand (A>C on the coding strand, the complement: BRCA1 is on the minus strand). VCF-style: chr17-43070985-T-G. GRCh37 (hg19) VCF-style: chr17-41223002-T-G.
Other names: c.4716A>C, p.Thr1572= (NM_001407571.1, NM_001407894.1, NM_001407895.1 and 12 more transcripts); c.4995A>C, p.Thr1665= (NM_001407581.1, NM_001407582.1); c.4992A>C, p.Thr1664= (NM_001407583.1, NM_001407585.1, NM_001407587.1 and 1 more transcripts); c.4989A>C, p.Thr1663= (NM_001407590.1, NM_001407591.1); c.4929A>C, p.Thr1643= (NM_001407593.1, NM_001407594.1, NM_001407596.1 and 8 more transcripts); c.4926A>C, p.Thr1642= (NM_001407610.1, NM_001407611.1, NM_001407612.1 and 17 more transcripts); c.4923A>C, p.Thr1641= (NM_001407627.1, NM_001407628.1, NM_001407629.1 and 14 more transcripts); c.4920A>C, p.Thr1640= (NM_001407644.1, NM_001407645.1); and 71 more.
Identifiers: ClinVar variation 185238 (VCV000185238.8), dbSNP rs786202022, ClinGen allele CA003080.

ClinVar aggregate classification (germline): Likely benign. Review status: reviewed by expert panel (3 of 4 stars). 2 submissions from 2 submitters: Likely benign (1). 1 of the submissions does not count toward it. Last evaluated 2017-06-29.

Conditions:
Hereditary cancer-predisposing syndrome. Also called: Hereditary Cancer Syndrome; Hereditary neoplastic syndrome; Tumor predisposition; Neoplastic Syndromes, Hereditary. Identifiers: Orphanet 140162, MedGen C0027672, MeSH D009386, MONDO:0015356.
Breast-ovarian cancer, familial, susceptibility to, 1 (BROVCA1). Also called: OVARIAN CANCER, SUSCEPTIBILITY TO; BRCA1 Hereditary Breast and Ovarian Cancer. Identifiers: Orphanet 145, MedGen C2676676, MONDO:0011450, OMIM 604370. Disease mechanism: loss of function.

Submissions (3):

Evidence-based Network for the Interpretation of Germline Mutant Alleles (ENIGMA)
Classification: Likely benign for Breast-ovarian cancer, familial, susceptibility to, 1. Last evaluated: 2017-06-29. Review status: reviewed by expert panel. Criteria: ENIGMA BRCA1/2 Classification Criteria (2017-06-29). Collection method: curation. Allele origin: germline.
Comment: Synonymous substitution variant, with low bioinformatic likelihood to result in a splicing aberration (Splicing prior probability 0.02).

Ambry Genetics
Classification: Likely benign for Hereditary cancer-predisposing syndrome. Last evaluated: 2014-06-26. Review status: criteria provided, single submitter. Criteria: Ambry Autosomal Dominant and X-Linked criteria (10/2015). Collection method: clinical testing. Allele origin: germline. Observed: 1 variant allele. Not counted in ClinVar's aggregate classification.

Brotman Baty Institute, University of Washington
No classification provided (evidence only). Condition: Breast-ovarian cancer, familial 1. Review status: no classification provided. Collection method: in vitro. Allele origin: not applicable. Functional consequence: functionally_normal. Not counted in ClinVar's aggregate classification.
ClinVar note: "not provided" was previously submitted as the classification for the variant. However, the classification appeared to be based only on an observation of functional data so it was converted to no classification on 2025-07-30.